The following is an entry in ClinVar:

ClinVar aggregate classification (germline): Pathogenic/Likely pathogenic. Review status: criteria provided, multiple submitters, no conflicts (2 of 4 stars). 5 submissions from 5 submitters: Pathogenic (2); Likely pathogenic (1). 2 of the submissions do not count toward it. Last evaluated 2026-09-08.

Conditions:
GLA-related disorder. Also called: GLA-related condition.
Fabry disease. Also called: Fabry's disease; Angiokeratoma corporis diffusum; ALPHA-GALACTOSIDASE A DEFICIENCY; ANDERSON-FABRY DISEASE; CERAMIDE TRIHEXOSIDASE DEFICIENCY; Ceramide trihexosidosis. Identifiers: Orphanet 324, MedGen C0002986, MONDO:0010526, OMIM 301500, HP:0001071. Disease mechanism: loss of function, Fabry disease is due to inactivating mutations in the X-linked GLA gene resulting in deficiency of the enzyme Alpha Galactosidase-A..

Submissions (5):

Genomenon, Inc
Classification: Pathogenic for Fabry disease. Last evaluated: 2026-09-08. Review status: criteria provided, single submitter. Criteria: Genomenon Sequence Variant Interpretation Standards - Updated. Collection method: curation. Allele origin: germline. Affected: yes.
Comment: GLA c.639+4A>T is an intronic variant located in the donor splice region of intron 4. This variant has been observed in at least one proband with clinical features consistent with Fabry disease (PMID:32127409;28360401;10666480;37940383;33437642;34745889;17224688). Functional or patient cell studies have been reported (PMID:10666480;32127409). At least one splicing study has demonstrated that this variant results in aberrant splicing (PMID:37254000). It is absent or not present at a significant frequency in gnomAD. In conclusion, we classify GLA c.639+4A>T as a pathogenic variant.

GeneDx
Classification: Pathogenic. Last evaluated: 2024-08-14. Review status: criteria provided, single submitter. Criteria: GeneDx Variant Classification Process June 2021. Collection method: clinical testing. Allele origin: germline. Affected: yes.
Comment: Non-canonical splice site variant found to result in a null allele in a gene for which loss of function is a known mechanism of disease (PMID: 37254000); Not observed at significant frequency in large population cohorts (gnomAD); This variant is associated with the following publications: (PMID: 27657681, 32161151, 10666480, 33437642, 28360401, 32127409, 37254000)

PreventionGenetics, part of Exact Sciences
Classification: Likely pathogenic for GLA-related condition. Last evaluated: 2023-05-09. Review status: criteria provided, single submitter. Criteria: ACMG Guidelines, 2015. Collection method: clinical testing. Allele origin: germline.
Comment: The GLA c.639+4A>T variant is predicted to interfere with splicing. At least in one case the alpha-galactosidase A activity was measured in patient's plasma or lymphocytes and was significantly reduced (Topaloglu et al. 1999. PubMed ID: 10666480). Available splicing prediction programs indicate that this variant may reduce the strength of the neighboring donor splice site and affect splicing (-23.6%; Alamut Visual Plus v.1.6.1). However, such computer prediction programs are imperfect. This variant has not been reported in a large population database, indicating this variant is rare. This variant is interpreted as likely pathogenic.

Fulgent Genetics
Classification: Uncertain significance for Fabry disease. Last evaluated: 2021-07-01. Review status: flagged submission. Criteria: ACMG Guidelines, 2015. Collection method: clinical testing. Allele origin: unknown. Not counted in ClinVar's aggregate classification.
ClinVar note: Reason: Claim with insufficient supporting evidence

Eurofins Ntd Llc (ga)
Classification: Uncertain significance. Last evaluated: 2013-06-11. Review status: flagged submission. Criteria: EGL Classification Definitions 2015. Collection method: clinical testing. Allele origin: germline. Observed: 1 variant allele, 1 heterozygote. Not counted in ClinVar's aggregate classification.
ClinVar note: Reason: Older claim that does not account for recent evidence

Literature cited by the submitters: PubMed 32127409 (cited by Genomenon, Inc); PubMed 28360401 (cited by Genomenon, Inc); PubMed 10666480 (cited by Genomenon, Inc); PubMed 37940383 (cited by Genomenon, Inc); PubMed 33437642 (cited by Genomenon, Inc); PubMed 34745889 (cited by Genomenon, Inc); PubMed 17224688 (cited by Genomenon, Inc); PubMed 37254000 (cited by Genomenon, Inc).

NM_000169.3(GLA):c.639+4A>T

Genes: GLA (galactosidase alpha; minus strand), RPL36A-HNRNPH2 (RPL36A-HNRNPH2 readthrough; plus strand). Cytogenetic location: Xq22.1.
Variant type: single nucleotide variant.
Coding change: c.639+4A>T on transcript NM_000169.3 (MANE Select); 4 bases into the intron after coding-DNA position 639, A replaced by T.
Molecular consequence: intron variant.
Genome position (GRCh38, 1-based): chrX:101,400,662, T>A on the plus strand (A>T on the coding strand, the complement: GLA is on the minus strand). VCF-style: chrX-101400662-T-A. GRCh37 (hg19) VCF-style: chrX-100655650-T-A.
Other names: c.300+5205T>A (NM_001199973.2); c.177+8840T>A (NM_001199974.2); c.762+4A>T (NM_001406747.1); c.639+4A>T (NM_001406748.1).
Identifiers: ClinVar variation 92558 (VCV000092558.10), dbSNP rs398123215, ClinGen allele CA021870.